The following is an entry in ClinVar:

ClinVar aggregate classification (germline): Likely benign. Review status: criteria provided, multiple submitters, no conflicts (2 of 4 stars). 4 submissions from 4 submitters: Likely benign (3). 1 of the submissions does not count toward it. Last evaluated 2025-10-04.

Conditions:
PKD1L1-related disorder. Also called: PKD1L1-related condition.

Allele frequency attached by ClinVar (database versions not stated): gnomAD 0.00007 and 0.00008; TOPMed 0.00011; ExAC 0.00012; gnomAD exomes 0.00012 and 0.00018; ESP Exome Variant Server 0.00023.
gnomAD v4.1: 271 of 1,614,066 alleles (0.017%); highest among the groups gnomAD compares: Non-Finnish European, 0.022%; no homozygotes.

Submissions (4):

Labcorp Genetics (formerly Invitae), Labcorp
Classification: Likely benign. Last evaluated: 2025-10-04. Review status: criteria provided, single submitter. Criteria: Invitae Variant Classification Sherloc (09022015). Collection method: clinical testing. Allele origin: germline.

Blueprint Genetics
Classification: Likely benign. Last evaluated: 2024-09-02. Review status: criteria provided, single submitter. Criteria: ACMG Guidelines, 2015. Collection method: clinical testing. Allele origin: germline.

CeGaT Center for Human Genetics Tuebingen
Classification: Likely benign. Last evaluated: 2022-12-01. Review status: criteria provided, single submitter. Criteria: CeGaT Center For Human Genetics Tuebingen Variant Classification Criteria Version 2. Collection method: clinical testing. Allele origin: germline. Affected: yes. Observed: 1 variant allele.
Comment: PKD1L1: BP4, BP7

PreventionGenetics, part of Exact Sciences
Classification: Likely benign for PKD1L1-related condition. Last evaluated: 2022-01-31. Review status: no assertion criteria provided. Collection method: clinical testing. Allele origin: germline. Not counted in ClinVar's aggregate classification.
Comment: This variant is classified as likely benign based on ACMG/AMP sequence variant interpretation guidelines (Richards et al. 2015 PMID: 25741868, with internal and published modifications).

NM_138295.5(PKD1L1):c.4257C>T (p.Leu1419=)

Gene: PKD1L1 (polycystin 1 like 1, transient receptor potential channel interacting; minus strand). Cytogenetic location: 7p12.3.
Variant type: single nucleotide variant.
Coding change: c.4257C>T on transcript NM_138295.5 (MANE Select); coding-DNA position 4257, C replaced by T.
Protein change: p.Leu1419=; no amino-acid change (leucine 1419 retained).
Molecular consequence: synonymous variant.
Genome position (GRCh38, 1-based): chr7:47,858,778, G>A on the plus strand (C>T on the coding strand, the complement: PKD1L1 is on the minus strand). VCF-style: chr7-47858778-G-A. GRCh37 (hg19) VCF-style: chr7-47898376-G-A.
Identifiers: ClinVar variation 736642 (VCV000736642.32), dbSNP rs141331339, ClinGen allele CA4253165.
Genomic context (GRCh38, chr7:47,858,778, plus strand): 5'-GACTTCCTCCTTCGAGTTTTCTTGCTCAGAGACTTCCCAGACTCTGGATATGAGACCGAT[G>A]AGCTCAAGCCTCACTCCTTTGTCAATCACAAATGGCCCCGAGAACTGGCCTTGAGCAAGG-3'
Protein context (NP_612152.1, residues 1409-1429): FVIDKGVRLE[Leu1419=]IGLISRVWEV